The following is an entry in ClinVar:

ClinVar aggregate classification (germline): Uncertain significance. Review status: criteria provided, multiple submitters, no conflicts (2 of 4 stars). 2 submissions from 2 submitters: Uncertain significance (2). Last evaluated 2026-01-30.

Conditions:
Hereditary cancer-predisposing syndrome. Also called: Tumor predisposition; Neoplastic Syndromes, Hereditary; Hereditary Cancer Syndrome; Hereditary neoplastic syndrome. Identifiers: Orphanet 140162, MedGen C0027672, MeSH D009386, MONDO:0015356.
Hereditary breast ovarian cancer syndrome. Also called: Hereditary breast and ovarian cancer syndrome; Hereditary breast and ovarian cancer; Hereditary breast and/or ovarian cancer syndrome; BRCA1- and BRCA2-Associated Hereditary Breast and Ovarian Cancer; Breast and ovarian cancer; Hereditary breast and ovarian cancer syndrome (HBOC). Identifiers: Orphanet 145, MedGen C0677776, MeSH D061325, MONDO:0003582. Disease mechanism: loss of function.

Submissions (2):

Ambry Genetics
Classification: Uncertain significance for Hereditary cancer-predisposing syndrome. Last evaluated: 2026-01-30. Review status: criteria provided, single submitter. Criteria: Ambry Variant Classification Scheme 2023. Collection method: clinical testing. Allele origin: germline.
Comment: The p.T150A variant (also known as c.448A>G), located in coding exon 6 of the BRCA1 gene, results from an A to G substitution at nucleotide position 448. The threonine at codon 150 is replaced by alanine, an amino acid with similar properties. This amino acid position is not well conserved in available vertebrate species. In addition, the in silico prediction for this alteration is inconclusive. Based on the available evidence, the clinical significance of this variant remains unclear.

Labcorp Genetics (formerly Invitae), Labcorp
Classification: Uncertain significance for Hereditary breast ovarian cancer syndrome. Last evaluated: 2023-01-05. Review status: criteria provided, single submitter. Criteria: Invitae Variant Classification Sherloc (09022015). Collection method: clinical testing. Allele origin: germline.
Comment: In summary, the available evidence is currently insufficient to determine the role of this variant in disease. Therefore, it has been classified as a Variant of Uncertain Significance. Advanced modeling of protein sequence and biophysical properties (such as structural, functional, and spatial information, amino acid conservation, physicochemical variation, residue mobility, and thermodynamic stability) performed at Invitae indicates that this missense variant is not expected to disrupt BRCA1 protein function. This missense change has been observed in individual(s) with a personal and/or family history of breast and/or ovarian cancer (PMID: 21120943). This variant is not present in population databases (gnomAD no frequency). This sequence change replaces threonine, which is neutral and polar, with alanine, which is neutral and non-polar, at codon 150 of the BRCA1 protein (p.Thr150Ala).

Literature cited by the submitters: PubMed 21120943 (cited by Labcorp Genetics (formerly Invitae), Labcorp).

NM_007294.4(BRCA1):c.448A>G (p.Thr150Ala)

Gene: BRCA1 (BRCA1 DNA repair associated; minus strand). Cytogenetic location: 17q21.31.
Variant type: single nucleotide variant.
Coding change: c.448A>G on transcript NM_007294.4 (MANE Select); coding-DNA position 448, A replaced by G.
Protein change: p.Thr150Ala; replaces threonine 150 with alanine.
Molecular consequence: missense variant. On other transcripts: intron variant (2).
Genome position (GRCh38, 1-based): chr17:43,099,874, T>C on the plus strand (A>G on the coding strand, the complement: BRCA1 is on the minus strand). VCF-style: chr17-43099874-T-C. GRCh37 (hg19) VCF-style: chr17-41251891-T-C.
Other names: c.445A>G, p.Thr149Ala (NM_001408448.1, NM_001408450.1, NM_001408473.1 and 65 more transcripts); c.313A>G, p.Thr105Ala (NM_001408451.1); c.307A>G, p.Thr103Ala (NM_001408452.1, NM_001408453.1, NM_001408454.1 and 61 more transcripts); c.304A>G, p.Thr102Ala (NM_001408468.1, NM_001408470.1, NM_001408511.1 and 35 more transcripts); c.448A>G, p.Thr150Ala (NM_001408472.1, NM_001408494.1, NM_007298.4 and 97 more transcripts); c.370A>G, p.Thr124Ala (NM_001408474.1, NM_001408476.1, NM_001407663.1 and 12 more transcripts); c.367A>G, p.Thr123Ala (NM_001408475.1, NM_001407874.1, NM_001407875.1 and 6 more transcripts); c.238A>G, p.Thr80Ala (NM_001408478.1, NM_001408492.1, NM_001408513.1 and 37 more transcripts); and 5 more; short protein forms T105A, T123A, T147A, T79A, T80A, T149A, T103A, T124A.
Identifiers: ClinVar variation 2826401 (VCV002826401.4), dbSNP rs2154529928, ClinGen allele CA10601238.